The following is an entry in ClinVar:

ClinVar aggregate classification (germline): Conflicting classifications of pathogenicity. Review status: criteria provided, conflicting classifications (1 of 4 stars). 2 submissions from 2 submitters: Uncertain significance (1); Likely benign (1). Last evaluated 2026-01-19.

Conditions:
Hereditary cancer-predisposing syndrome. Also called: Hereditary neoplastic syndrome; Hereditary Cancer Syndrome; Neoplastic Syndromes, Hereditary; Tumor predisposition. Identifiers: Orphanet 140162, MedGen C0027672, MeSH D009386, MONDO:0015356.
Hereditary breast ovarian cancer syndrome. Also called: Hereditary breast and ovarian cancer syndrome; BRCA1- and BRCA2-Associated Hereditary Breast and Ovarian Cancer; Breast and ovarian cancer; Hereditary breast and/or ovarian cancer syndrome; Hereditary breast and ovarian cancer syndrome (HBOC); Hereditary breast and ovarian cancer. Identifiers: Orphanet 145, MedGen C0677776, MeSH D061325, MONDO:0003582. Disease mechanism: loss of function.

Submissions (2):

Labcorp Genetics (formerly Invitae), Labcorp
Classification: Uncertain significance for Hereditary breast ovarian cancer syndrome. Last evaluated: 2026-01-19. Review status: criteria provided, single submitter. Criteria: Invitae Variant Classification Sherloc (09022015). Collection method: clinical testing. Allele origin: germline.
Comment: This sequence change replaces lysine, which is basic and polar, with asparagine, which is neutral and polar, at codon 1628 of the BRCA2 protein (p.Lys1628Asn). This variant is not present in population databases (gnomAD no frequency). This variant has not been reported in the literature in individuals affected with BRCA2-related conditions. ClinVar contains an entry for this variant (Variation ID: 1402332). Invitae Evidence Modeling of protein sequence and biophysical properties (such as structural, functional, and spatial information, amino acid conservation, physicochemical variation, residue mobility, and thermodynamic stability) indicates that this missense variant is not expected to disrupt BRCA2 protein function with a negative predictive value of 95%. In summary, the available evidence is currently insufficient to determine the role of this variant in disease. Therefore, it has been classified as a Variant of Uncertain Significance.

University of Washington Department of Laboratory Medicine, University of Washington
Classification: Likely benign for Hereditary cancer-predisposing syndrome. Last evaluated: 2023-03-23. Review status: criteria provided, single submitter. Criteria: Dines et al. (Genet Med. 2020). Collection method: curation. Allele origin: germline.
Comment: Missense variant in a coldspot region where missense variants are very unlikely to be pathogenic (PMID:31911673).

BRCA2 exon 11 coldspot. Reclassification based on statistical prior probability.

NM_000059.4(BRCA2):c.4884A>T (p.Lys1628Asn)

Gene: BRCA2 (BRCA2 DNA repair associated; plus strand). Cytogenetic location: 13q13.1.
Variant type: single nucleotide variant.
Coding change: c.4884A>T on transcript NM_000059.4 (MANE Select); coding-DNA position 4884, A replaced by T.
Protein change: p.Lys1628Asn; replaces lysine 1628 with asparagine.
Molecular consequence: missense variant.
Genome position (GRCh38, 1-based): chr13:32,339,239, A>T. VCF-style: chr13-32339239-A-T. GRCh37 (hg19) VCF-style: chr13-32913376-A-T.
Other names: short protein forms K1628N.
Identifiers: ClinVar variation 1402332 (VCV001402332.7), dbSNP rs2072514968, ClinGen allele CA387783504.